The following is an entry in ClinVar:

NM_001211.6(BUB1B):c.1391C>G (p.Thr464Arg)

Gene: BUB1B (BUB1 mitotic checkpoint serine/threonine kinase B; plus strand). Cytogenetic location: 15q15.1.
Variant type: single nucleotide variant.
Coding change: c.1391C>G on transcript NM_001211.6 (MANE Select); coding-DNA position 1391, C replaced by G.
Protein change: p.Thr464Arg; replaces threonine 464 with arginine.
Molecular consequence: missense variant.
Genome position (GRCh38, 1-based): chr15:40,199,717, C>G. VCF-style: chr15-40199717-C-G. GRCh37 (hg19) VCF-style: chr15-40491918-C-G.
Other names: short protein forms T464R.
Identifiers: ClinVar variation 1771559 (VCV001771559.2), dbSNP rs1431082197, ClinGen allele CA391689248.

ClinVar aggregate classification (germline): Uncertain significance (1 of 4 stars; one submission).

Conditions:
Inborn genetic diseases. Identifiers: MedGen C0950123, MeSH D030342.

gnomAD v4.1: 3 of 1,611,090 alleles (0.00019%); highest among the groups gnomAD compares: Non-Finnish European, 0.00025%; no homozygotes.

Submission:

Ambry Genetics
Classification: Uncertain significance for Inborn genetic diseases. Last evaluated: 2022-01-05. Review status: criteria provided, single submitter. Criteria: Ambry Variant Classification Scheme 2023. Collection method: clinical testing. Allele origin: germline.
Comment: The p.T464R variant (also known as c.1391C>G), located in coding exon 10 of the BUB1B gene, results from a C to G substitution at nucleotide position 1391. The threonine at codon 464 is replaced by arginine, an amino acid with similar properties. This amino acid position is conserved. In addition, this alteration is predicted to be tolerated by in silico analysis. Since supporting evidence is limited at this time, the clinical significance of this alteration remains unclear.